The following is an entry in ClinVar:

ClinVar aggregate classification (germline): Uncertain significance (1 of 4 stars; one submission).

gnomAD v4.1: 2 of 1,610,014 alleles (0.00012%); highest among the groups gnomAD compares: Admixed American, 0.0017%; no homozygotes.

Submission:

Labcorp Genetics (formerly Invitae), Labcorp
Classification: Uncertain significance. Last evaluated: 2025-05-30. Review status: criteria provided, single submitter. Criteria: Invitae Variant Classification Sherloc (09022015). Collection method: clinical testing. Allele origin: germline.
Comment: This sequence change replaces threonine, which is neutral and polar, with isoleucine, which is neutral and non-polar, at codon 197 of the DDX58 protein (p.Thr197Ile). This variant is present in population databases (rs773661897, gnomAD 0.003%). This variant has not been reported in the literature in individuals affected with DDX58-related conditions. ClinVar contains an entry for this variant (Variation ID: 2985333). An algorithm developed to predict the effect of missense changes on protein structure and function outputs the following: PolyPhen-2: "Benign". The isoleucine amino acid residue is found in multiple mammalian species, which suggests that this missense change does not adversely affect protein function. In summary, the available evidence is currently insufficient to determine the role of this variant in disease. Therefore, it has been classified as a Variant of Uncertain Significance.

NM_014314.4(RIGI):c.590C>T (p.Thr197Ile)

Gene: RIGI (RNA sensor RIG-I; minus strand). Cytogenetic location: 9p21.1.
Variant type: single nucleotide variant.
Coding change: c.590C>T on transcript NM_014314.4 (MANE Select); coding-DNA position 590, C replaced by T.
Protein change: p.Thr197Ile; replaces threonine 197 with isoleucine.
Molecular consequence: missense variant. On other transcripts: 5 prime UTR variant (1).
Genome position (GRCh38, 1-based): chr9:32,491,402, G>A on the plus strand (C>T on the coding strand, the complement: RIGI is on the minus strand). VCF-style: chr9-32491402-G-A. GRCh37 (hg19) VCF-style: chr9-32491400-G-A.
Other names: c.590C>T, p.Thr197Ile (NM_001385907.1, NM_001385909.1); c.149C>T, p.Thr50Ile (NM_001385910.1, NM_001385914.1); c.-20C>T (NM_001385912.1); c.575C>T, p.Thr192Ile (NM_001385913.1); short protein forms T192I, T50I, T197I.
Identifiers: ClinVar variation 2985333 (VCV002985333.3), dbSNP rs773661897, ClinGen allele CA5020029.